The following is an entry in ClinVar:

ClinVar aggregate classification (germline): Uncertain significance. Review status: criteria provided, multiple submitters, no conflicts (2 of 4 stars). 2 submissions from 2 submitters: Uncertain significance (2). Last evaluated 2022-09-07.

Conditions:
Inborn genetic diseases. Identifiers: MedGen C0950123, MeSH D030342.

Allele frequency attached by ClinVar (database versions not stated): gnomAD exomes 0.00001; ExAC 0.00002; gnomAD 0.00007; 1000 Genomes Project 30x 0.00016; 1000 Genomes Project 0.00020; TOPMed 0.00025.
gnomAD v4.1: 28 of 1,592,258 alleles (0.0018%); highest among the groups gnomAD compares: Admixed American, 0.033%; no homozygotes.

Submissions (2):

Labcorp Genetics (formerly Invitae), Labcorp
Classification: Uncertain significance. Last evaluated: 2022-09-07. Review status: criteria provided, single submitter. Criteria: Invitae Variant Classification Sherloc (09022015). Collection method: clinical testing. Allele origin: germline.
Comment: This sequence change falls in intron 22 of the AP3B2 gene. It does not directly change the encoded amino acid sequence of the AP3B2 protein. It affects a nucleotide within the consensus splice site. The frequency data for this variant in the population databases is considered unreliable, as metrics indicate poor data quality at this position in the gnomAD database. This variant has not been reported in the literature in individuals affected with AP3B2-related conditions. ClinVar contains an entry for this variant (Variation ID: 1360515). Variants that disrupt the consensus splice site are a relatively common cause of aberrant splicing (PMID: 17576681, 9536098). Algorithms developed to predict the effect of sequence changes on RNA splicing suggest that this variant may disrupt the consensus splice site. In summary, the available evidence is currently insufficient to determine the role of this variant in disease. Therefore, it has been classified as a Variant of Uncertain Significance.

Ambry Genetics
Classification: Uncertain significance for Inborn genetic diseases. Last evaluated: 2022-02-23. Review status: criteria provided, single submitter. Criteria: Ambry Variant Classification Scheme 2023. Collection method: clinical testing. Allele origin: germline.
Comment: The c.2777-3C>A intronic alteration consists of a C to A substitution 3 nucleotides before coding exon 23 in the AP3B2 gene. Based on insufficient or conflicting evidence, the clinical significance of this alteration remains unclear.

Literature cited by the submitters: PubMed 17576681 (cited by Labcorp Genetics (formerly Invitae), Labcorp); PubMed 9536098 (cited by Labcorp Genetics (formerly Invitae), Labcorp).

NM_001278512.2(AP3B2):c.2834-3C>A

Genes: AP3B2 (adaptor related protein complex 3 subunit beta 2; minus strand), CPEB1-AS1 (CPEB1 antisense RNA 1; plus strand). Cytogenetic location: 15q25.2.
Variant type: single nucleotide variant.
Coding change: c.2834-3C>A on transcript NM_001278512.2 (MANE Select); 3 bases into the intron before coding-DNA position 2834, C replaced by A.
Molecular consequence: intron variant.
Genome position (GRCh38, 1-based): chr15:82,662,255, G>T on the plus strand (C>A on the coding strand, the complement: AP3B2 is on the minus strand). VCF-style: chr15-82662255-G-T. GRCh37 (hg19) VCF-style: chr15-83331007-G-T.
Other names: c.2681-3C>A (NM_001278511.2); c.2777-3C>A (NM_004644.5, NM_004644.3).
Identifiers: ClinVar variation 1360515 (VCV001360515.4), dbSNP rs200697675, ClinGen allele CA7699776.
Genomic context (GRCh38, chr15:82,662,255, plus strand): 5'-GAGTCACAGAAATTAATGCCCATTACAGCAGTGGCAGATTCTCCAGGTGCCAGGGACTCT[G>T]AAGTGGTATAAGGCAGTGAAGGGGAGAGGGAGGGCCACCATCACCTGATAGGTCTAGAAC-3'